The following is an entry in ClinVar:

NM_000218.3(KCNQ1):c.1582A>C (p.Lys528Gln)

Gene: KCNQ1 (potassium voltage-gated channel subfamily Q member 1; plus strand). Cytogenetic location: 11p15.5.
Variant type: single nucleotide variant.
Coding change: c.1582A>C on transcript NM_000218.3 (MANE Select); coding-DNA position 1582, A replaced by C.
Protein change: p.Lys528Gln; replaces lysine 528 with glutamine.
Molecular consequence: missense variant.
Genome position (GRCh38, 1-based): chr11:2,768,911, A>C. VCF-style: chr11-2768911-A-C. GRCh37 (hg19) VCF-style: chr11-2790141-A-C.
Other names: c.1486A>C, p.Lys496Gln (NM_001406836.1); c.1312A>C, p.Lys438Gln (NM_001406837.1); c.1042A>C, p.Lys348Gln (NM_001406838.1); c.1201A>C, p.Lys401Gln (NM_181798.2); short protein forms K401Q, K438Q, K496Q, K348Q, K528Q.
Identifiers: ClinVar variation 4773953 (VCV004773953.1).

ClinVar aggregate classification (germline): Uncertain significance (1 of 4 stars; one submission).

Conditions:
Long QT syndrome (LQTS). Identifiers: MedGen C0023976, MeSH D008133, MONDO:0002442. Disease mechanism: loss of function. Inheritance: Various modes of inheritance.

gnomAD v4.1: 1 of 1,613,772 alleles (0.000062%); highest among the groups gnomAD compares: Non-Finnish European, 0.000085%; no homozygotes.

Submission:

Labcorp Genetics (formerly Invitae), Labcorp
Classification: Uncertain significance for Long QT syndrome. Last evaluated: 2025-06-11. Review status: criteria provided, single submitter. Criteria: Invitae Variant Classification Sherloc (09022015). Collection method: clinical testing. Allele origin: germline.
Comment: This sequence change replaces lysine, which is basic and polar, with glutamine, which is neutral and polar, at codon 528 of the KCNQ1 protein (p.Lys528Gln). This variant is not present in population databases (gnomAD no frequency). This variant has not been reported in the literature in individuals affected with KCNQ1-related conditions. Invitae Evidence Modeling of protein sequence and biophysical properties (such as structural, functional, and spatial information, amino acid conservation, physicochemical variation, residue mobility, and thermodynamic stability) has been performed for this missense variant. However, the output from this modeling did not meet the statistical confidence thresholds required to predict the impact of this variant on KCNQ1 protein function. In summary, the available evidence is currently insufficient to determine the role of this variant in disease. Therefore, it has been classified as a Variant of Uncertain Significance.